The following is an entry in ClinVar:

NM_006214.4(PHYH):c.244C>G (p.Arg82Gly)

Gene: PHYH (phytanoyl-CoA 2-hydroxylase; minus strand). Cytogenetic location: 10p13.
Variant type: single nucleotide variant.
Coding change: c.244C>G on transcript NM_006214.4 (MANE Select); coding-DNA position 244, C replaced by G.
Protein change: p.Arg82Gly; replaces arginine 82 with glycine.
Molecular consequence: missense variant. On other transcripts: 5 prime UTR variant (3).
Genome position (GRCh38, 1-based): chr10:13,295,497, G>C on the plus strand (C>G on the coding strand, the complement: PHYH is on the minus strand). VCF-style: chr10-13295497-G-C. GRCh37 (hg19) VCF-style: chr10-13337497-G-C.
Other names: p.Arg82Gly; c.244C>G (NM_006214.3); c.-57C>G (NM_001037537.2, NM_001323080.2, NM_001323084.2); c.244C>G, p.Arg82Gly (NM_001323082.2, NM_001323083.2); short protein forms R82G.
Identifiers: ClinVar variation 617834 (VCV000617834.19), dbSNP rs145404396, ClinGen allele CA5412447.

ClinVar aggregate classification (germline): Conflicting classifications of pathogenicity. Review status: criteria provided, conflicting classifications (1 of 4 stars). 8 submissions from 8 submitters: Uncertain significance (4); Benign (1); Likely benign (2). 1 of the submissions does not count toward it. Last evaluated 2026-01-24.

Conditions:
Refsum disease, classic. Also called: PHYH-Related Refsum Disease; HEREDOPATHIA ATACTICA POLYNEURITIFORMIS; HMSN IV; PHYTANIC ACID OXIDASE DEFICIENCY. Identifiers: Orphanet 773, MedGen C5780941, MONDO:1060256, OMIM 266500. Disease mechanism: loss of function.
Nonsyndromic cleft lip palate.

Allele frequency attached by ClinVar (database versions not stated): 1000 Genomes Project 30x 0.00125; ESP Exome Variant Server 0.00162; 1000 Genomes Project 0.00120; TOPMed 0.00137; gnomAD 0.00140.
gnomAD v4.1: 389 of 1,429,532 alleles (0.027%); highest among the groups gnomAD compares: African/African-American, 0.48%; no homozygotes.

Submissions (8):

Labcorp Genetics (formerly Invitae), Labcorp
Classification: Likely benign. Last evaluated: 2026-01-24. Review status: criteria provided, single submitter. Criteria: Invitae Variant Classification Sherloc (09022015). Collection method: clinical testing. Allele origin: germline.

Blueprint Genetics
Classification: Benign. Last evaluated: 2024-09-06. Review status: criteria provided, single submitter. Criteria: ACMG Guidelines, 2015. Collection method: clinical testing. Allele origin: germline.

Mayo Clinic Laboratories, Mayo Clinic
Classification: Uncertain significance. Last evaluated: 2024-06-06. Review status: criteria provided, single submitter. Criteria: ACMG Guidelines, 2015. Collection method: clinical testing. Allele origin: germline. Observed: 1 variant allele.
Comment: BS1

Women's Health and Genetics/Laboratory Corporation of America, LabCorp
Classification: Likely benign. Last evaluated: 2024-01-03. Review status: criteria provided, single submitter. Criteria: LabCorp Variant Classification Summary - May 2015. Collection method: clinical testing. Allele origin: germline.
Comment: Variant summary: PHYH c.244C>G (p.Arg82Gly) results in a non-conservative amino acid change in the encoded protein sequence. Five of five in-silico tools predict a damaging effect of the variant on protein function. The variant allele was found at a frequency of 0.00043 in 282728 control chromosomes, predominantly at a frequency of 0.0045 within the African or African-American subpopulation (i.e. 113 carriers) in the gnomAD database. c.244C>G has been reported in the literature in heterozygous form in two individuals affected with cleft lip (with or without cleft palate), who inherited the variant from an unaffected parent (Aylward_2016). This report does not provide unequivocal conclusions about association of the variant with Phytanic Acid Storage Disease. To our knowledge, no experimental evidence demonstrating an impact on protein function has been reported. Five submitters have cited clinical-significance assessments for this variant to ClinVar after 2014 and classified the variant as VUS (n=4) or likely benign (n=1). Based on the evidence outlined above, the variant was classified as likely benign.

Revvity Omics, Revvity
Classification: Uncertain significance for Refsum disease, classic. Last evaluated: 2021-11-15. Review status: criteria provided, single submitter. Criteria: ACMG Guidelines, 2015. Collection method: clinical testing. Allele origin: germline.

Dubai Health Genomic Medicine Center, Dubai Health
Classification: Uncertain significance. Last evaluated: 2020-01-24. Review status: criteria provided, single submitter. Criteria: ACMG Guidelines, 2015. Collection method: clinical testing. Allele origin: germline. Affected: yes.

GeneDx
Classification: Uncertain significance. Last evaluated: 2019-04-24. Review status: criteria provided, single submitter. Criteria: GeneDx Variant Classification Process June 2021. Collection method: clinical testing. Allele origin: germline. Affected: yes.
Comment: In-silico analysis, which includes splice predictors and evolutionary conservation, is inconclusive as to whether the variant alters gene splicing. In the absence of RNA/functional studies, the actual effect of this sequence change is unknown.; This variant is associated with the following publications: (PMID: 27229527)

University of Washington Center for Mendelian Genomics, University of Washington
Classification: Likely pathogenic for Nonsyndromic cleft lip palate. Last evaluated: 2016-03-27. Review status: no assertion criteria provided. Collection method: research. Allele origin: inherited. Affected: yes. Observed: 2 heterozygotes. Not counted in ClinVar's aggregate classification.

Literature cited by the submitters: PubMed 27229527 (cited by Women's Health and Genetics/Laboratory Corporation of America, LabCorp and University of Washington Center for Mendelian Genomics, University of Washington).